The following is an entry in ClinVar:

ClinVar aggregate classification (germline): Uncertain significance. Review status: criteria provided, multiple submitters, no conflicts (2 of 4 stars). 4 submissions from 4 submitters: Uncertain significance (4). Last evaluated 2025-08-04.

Conditions:
Classic or attenuated familial adenomatous polyposis. Identifiers: MedGen CN372698, MONDO:0021057.
Hereditary cancer-predisposing syndrome. Also called: Neoplastic Syndromes, Hereditary; Hereditary Cancer Syndrome; Tumor predisposition; Hereditary neoplastic syndrome. Identifiers: Orphanet 140162, MedGen C0027672, MeSH D009386, MONDO:0015356.
Familial adenomatous polyposis 1 (FAP1). Also called: FAMILIAL ADENOMATOUS POLYPOSIS 1, ATTENUATED; POLYPOSIS, ADENOMATOUS INTESTINAL. Identifiers: MedGen C2713442, MONDO:0021056, OMIM 175100. Disease mechanism: loss of function.

Allele frequency attached by ClinVar (database versions not stated): gnomAD exomes below 0.00001.
gnomAD v4.1: 1 of 1,614,192 alleles (0.000062%); highest among the groups gnomAD compares: Non-Finnish European, 0.000085%; no homozygotes.

Submissions (4):

Color Diagnostics, LLC DBA Color Health
Classification: Uncertain significance for Hereditary cancer-predisposing syndrome. Last evaluated: 2025-08-04. Review status: criteria provided, single submitter. Criteria: ACMG Guidelines, 2015. Collection method: clinical testing. Allele origin: germline.
Comment: This missense variant replaces glutamic acid with alanine at codon 1020 of the APC protein. Computational prediction is inconclusive regarding the impact of this variant on protein structure and function. To our knowledge, functional studies have not been reported for this variant. This variant has not been reported in individuals affected with APC-related disorders in the literature. This variant has not been identified in the general population by the Genome Aggregation Database (gnomAD). The available evidence is insufficient to determine the role of this variant in disease conclusively. Therefore, this variant is classified as a Variant of Uncertain Significance.

All of Us Research Program, National Institutes of Health
Classification: Uncertain significance for Classic or attenuated familial adenomatous polyposis. Last evaluated: 2024-01-11. Review status: criteria provided, single submitter. Criteria: ACMG Guidelines, 2015. Collection method: clinical testing. Allele origin: germline. Inheritance: Autosomal dominant inheritance. Observed: 1 variant allele, 1 heterozygote.
Comment: This study involves interpretation of variants in research participants for the purpose of population health screening. Participant phenotype was not available at the time of variant classification. Additional details can be found in publication PMID: 35346344, PMCID: PMC8962531

Ambry Genetics
Classification: Uncertain significance for Hereditary cancer-predisposing syndrome. Last evaluated: 2021-03-11. Review status: criteria provided, single submitter. Criteria: Ambry Variant Classification Scheme 2023. Collection method: clinical testing. Allele origin: germline.
Comment: The p.E1020A variant (also known as c.3059A>C), located in coding exon 15 of the APC gene, results from an A to C substitution at nucleotide position 3059. The glutamic acid at codon 1020 is replaced by alanine, an amino acid with dissimilar properties. This amino acid position is well conserved in available vertebrate species. In addition, in silico predictors for this gene do not accurately predict pathogenicity. Since supporting evidence is limited at this time, the clinical significance of this alteration remains unclear.

Labcorp Genetics (formerly Invitae), Labcorp
Classification: Uncertain significance for Familial adenomatous polyposis 1. Last evaluated: 2020-08-16. Review status: criteria provided, single submitter. Criteria: Invitae Variant Classification Sherloc (09022015). Collection method: clinical testing. Allele origin: germline.
Comment: In summary, the available evidence is currently insufficient to determine the role of this variant in disease. Therefore, it has been classified as a Variant of Uncertain Significance. Algorithms developed to predict the effect of missense changes on protein structure and function (SIFT, PolyPhen-2, Align-GVGD) all suggest that this variant is likely to be disruptive, but these predictions have not been confirmed by published functional studies and their clinical significance is uncertain. This variant has not been reported in the literature in individuals with APC-related conditions. This variant is not present in population databases (ExAC no frequency). This sequence change replaces glutamic acid with alanine at codon 1020 of the APC protein (p.Glu1020Ala). The glutamic acid residue is highly conserved and there is a moderate physicochemical difference between glutamic acid and alanine.

NM_000038.6(APC):c.3059A>C (p.Glu1020Ala)

Gene: APC (APC regulator of Wnt signaling pathway; plus strand). Cytogenetic location: 5q22.2.
Variant type: single nucleotide variant.
Coding change: c.3059A>C on transcript NM_000038.6 (MANE Select); coding-DNA position 3059, A replaced by C.
Protein change: p.Glu1020Ala; replaces glutamic acid 1020 with alanine.
Molecular consequence: missense variant.
Genome position (GRCh38, 1-based): chr5:112,838,653, A>C. VCF-style: chr5-112838653-A-C. GRCh37 (hg19) VCF-style: chr5-112174350-A-C.
Other names: c.3059A>C, p.Glu1020Ala (NM_001127510.3, NM_001354895.2); c.3005A>C, p.Glu1002Ala (NM_001127511.3); c.3113A>C, p.Glu1038Ala (NM_001354896.2); c.3089A>C, p.Glu1030Ala (NM_001354897.2); c.2984A>C, p.Glu995Ala (NM_001354898.2); c.2975A>C, p.Glu992Ala (NM_001354899.2); c.2936A>C, p.Glu979Ala (NM_001354900.2); c.2882A>C, p.Glu961Ala (NM_001354901.2); and 5 more; short protein forms E979A, E1020A, E1030A, E1038A, E961A, E992A, E737A, E1002A.
Identifiers: ClinVar variation 1039704 (VCV001039704.13), dbSNP rs1765326937, ClinGen allele CA16028032.